The following is an entry in ClinVar:

NM_000053.4(ATP7B):c.3726G>A (p.Glu1242=)

Gene: ATP7B (ATPase copper transporting beta; minus strand). Cytogenetic location: 13q14.3.
Variant type: single nucleotide variant.
Coding change: c.3726G>A on transcript NM_000053.4 (MANE Select); coding-DNA position 3726, G replaced by A.
Protein change: p.Glu1242=; no amino-acid change (glutamic acid 1242 retained).
Molecular consequence: synonymous variant. On other transcripts: intron variant (1).
Genome position (GRCh38, 1-based): chr13:51,937,653, C>T on the plus strand (G>A on the coding strand, the complement: ATP7B is on the minus strand). VCF-style: chr13-51937653-C-T. GRCh37 (hg19) VCF-style: chr13-52511789-C-T.
Other names: c.3105G>A, p.Glu1035= (NM_001005918.3); c.3393G>A, p.Glu1131= (NM_001243182.2); c.3492G>A, p.Glu1164= (NM_001330578.2, NM_001406527.1, NM_001406528.1); c.3474G>A, p.Glu1158= (NM_001330579.2, NM_001406531.1, NM_001406532.1); c.3726G>A, p.Glu1242= (NM_001406511.1, NM_001406512.1); c.3720G>A, p.Glu1240= (NM_001406513.1); c.3693G>A, p.Glu1231= (NM_001406514.1); c.3672G>A, p.Glu1224= (NM_001406515.1, NM_001406516.1); and 21 more.
Identifiers: ClinVar variation 2979146 (VCV002979146.4), dbSNP rs1957052025, ClinGen allele CA484024746.
Genomic context (GRCh38, chr13:51,937,653, plus strand): 5'-GACTTTCTTCCCTTTATTCTGGAGCTCCTGGACCTTGGCCACCTTGTGCGAAGGCAGCAC[C>T]TCTGCAAAGACTTTGTTGATGCCAACCTAAGACAAAAGGAAGGCAATGCCTAGTGTTGGC-3'
Protein context (NP_000044.2, residues 1232-1252): TQVGINKVFA[Glu1242=]VLPSHKVAKV

ClinVar aggregate classification (germline): Likely benign. Review status: criteria provided, multiple submitters, no conflicts (2 of 4 stars). 2 submissions from 2 submitters: Likely benign (2). Last evaluated 2023-08-29.

Conditions:
Wilson disease (WND). Also called: Wilson's disease. Identifiers: Orphanet 905, MedGen C0019202, MONDO:0010200, OMIM 277900. Disease mechanism: loss of function.

Allele frequency attached by ClinVar (database versions not stated): gnomAD exomes below 0.00001; TOPMed below 0.00001.
gnomAD v4.1: 5 of 1,614,278 alleles (0.00031%); highest among the groups gnomAD compares: Non-Finnish European, 0.00042%; no homozygotes.

Submissions (2):

Labcorp Genetics (formerly Invitae), Labcorp
Classification: Likely benign for Wilson disease. Last evaluated: 2023-08-29. Review status: criteria provided, single submitter. Criteria: Invitae Variant Classification Sherloc (09022015). Collection method: clinical testing. Allele origin: germline.

All of Us Research Program, National Institutes of Health
Classification: Likely benign for Wilson disease. Last evaluated: 2023-05-31. Review status: criteria provided, single submitter. Criteria: ACMG Guidelines, 2015. Collection method: clinical testing. Allele origin: germline. Inheritance: Autosomal recessive inheritance. Observed: 2 variant alleles, 2 heterozygotes.
Comment: This study involves interpretation of variants in research participants for the purpose of population health screening. Participant phenotype was not available at the time of variant classification. Additional details can be found in publication PMID: 35346344, PMCID: PMC8962531